The following is an entry in ClinVar:

ClinVar aggregate classification (germline): Likely benign. Review status: criteria provided, multiple submitters, no conflicts (2 of 4 stars). 5 submissions from 5 submitters: Likely benign (4). 1 of the submissions does not count toward it. Last evaluated 2026-02-01.

Conditions:
Cardiovascular phenotype. Identifiers: MedGen CN230736.
Dilated cardiomyopathy 1G (CMD1G). Identifiers: Orphanet 154, MedGen C1858763, MONDO:0011400, OMIM 604145.
Tibial muscular dystrophy (TMD). Also called: Tibial muscular dystrophy, tardive; UDD MYOPATHY; Udd Distal Myopathy – Tibial Muscular Dystrophy. Identifiers: Orphanet 609, MedGen C1838244, MONDO:0010870, OMIM 600334.
Autosomal recessive limb-girdle muscular dystrophy type 2J (LGMDR10). Also called: MUSCULAR DYSTROPHY, LIMB-GIRDLE, AUTOSOMAL RECESSIVE 10; Limb-girdle muscular dystrophy, type 2J. Identifiers: Orphanet 140922, MedGen C1837342, MONDO:0012127, OMIM 608807.
Myopathy, myofibrillar, 9, with early respiratory failure (MFM9). Also called: Myopathy, distal, with early respiratory failure, autosomal dominant; EDSTROM MYOPATHY; MYOPATHY, PROXIMAL, WITH EARLY RESPIRATORY MUSCLE INVOLVEMENT; Hereditary myopathy with early respiratory failure. Identifiers: Orphanet 178464, Orphanet 34521, MedGen C1863599, MONDO:0011362, OMIM 603689.
Early-onset myopathy with fatal cardiomyopathy (CMYO5). Also called: CONGENITAL MYOPATHY 5 WITH CARDIOMYOPATHY; Salih Myopathy. Identifiers: Orphanet 289377, MedGen C2673677, MONDO:0012714, OMIM 611705. Disease mechanism: loss of function.
Hypertrophic cardiomyopathy 9. Also called: Familial hypertrophic cardiomyopathy 9. Identifiers: MedGen C1861065, MONDO:0013412, OMIM 613765.
TTN-related disorder. Also called: TTN-related condition; TTN-related disease; TTN-related disorders.

Allele frequency attached by ClinVar (database versions not stated): gnomAD 0.00001; gnomAD exomes 0.00001 and 0.00002; TOPMed 0.00001; ExAC 0.00002; ESP Exome Variant Server 0.00017.
gnomAD v4.1: 34 of 1,598,126 alleles (0.0021%); highest among the groups gnomAD compares: South Asian, 0.0034%; no homozygotes.

Submissions (5):

Labcorp Genetics (formerly Invitae), Labcorp
Classification: Likely benign for Dilated cardiomyopathy 1G; Autosomal recessive limb-girdle muscular dystrophy type 2J. Last evaluated: 2026-02-01. Review status: criteria provided, single submitter. Criteria: Invitae Variant Classification Sherloc (09022015). Collection method: clinical testing. Allele origin: germline.

Ambry Genetics
Classification: Likely benign for Cardiovascular phenotype. Last evaluated: 2024-06-12. Review status: criteria provided, single submitter. Criteria: Ambry Variant Classification Scheme 2023. Collection method: clinical testing. Allele origin: germline.

Blueprint Genetics
Classification: Likely benign. Last evaluated: 2023-12-20. Review status: criteria provided, single submitter. Criteria: ACMG Guidelines, 2015. Collection method: clinical testing. Allele origin: germline.

Fulgent Genetics
Classification: Likely benign for Tibial muscular dystrophy; Myopathy, myofibrillar, 9, with early respiratory failure; Dilated cardiomyopathy 1G; Autosomal recessive limb-girdle muscular dystrophy type 2J; Early-onset myopathy with fatal cardiomyopathy; Hypertrophic cardiomyopathy 9. Last evaluated: 2021-09-28. Review status: criteria provided, single submitter. Criteria: ACMG Guidelines, 2015. Collection method: clinical testing. Allele origin: unknown.

PreventionGenetics, part of Exact Sciences
Classification: Likely benign for TTN-related condition. Last evaluated: 2019-05-21. Review status: no assertion criteria provided. Collection method: clinical testing. Allele origin: germline. Not counted in ClinVar's aggregate classification.
Comment: This variant is classified as likely benign based on ACMG/AMP sequence variant interpretation guidelines (Richards et al. 2015 PMID: 25741868, with internal and published modifications).

NM_001267550.2(TTN):c.65565C>T (p.Leu21855=)

Genes: TTN (titin; minus strand), TTN-AS1 (TTN antisense RNA 1; plus strand). Cytogenetic location: 2q31.2.
Variant type: single nucleotide variant.
Coding change: c.65565C>T on transcript NM_001267550.2 (MANE Select); coding-DNA position 65565, C replaced by T.
Protein change: p.Leu21855=; no amino-acid change (leucine 21855 retained).
Molecular consequence: synonymous variant. On other transcripts: non-coding transcript variant (1).
Genome position (GRCh38, 1-based): chr2:178,583,617, G>A on the plus strand (C>T on the coding strand, the complement: TTN is on the minus strand). VCF-style: chr2-178583617-G-A. GRCh37 (hg19) VCF-style: chr2-179448344-G-A.
Other names: c.60642C>T, p.Leu20214= (NM_001256850.1); c.38370C>T, p.Leu12790= (NM_003319.4); c.57861C>T, p.Leu19287= (NM_133378.4); c.38745C>T, p.Leu12915= (NM_133432.3); c.38946C>T, p.Leu12982= (NM_133437.4).
Identifiers: ClinVar variation 1650393 (VCV001650393.13), dbSNP rs367880653, ClinGen allele CA1991685.
Genomic context (GRCh38, chr2:178,583,617, plus strand): 5'-CATCATGAATGCTGTTACATCTTTGCCTATAATACTCAGCAGAATCTTACCATTTTCTGC[G>A]AGGATAGTCACTGGATCAGAAGGTTCAGAAGGTGGGCTAATGTTTACCGCGGTCCTGGCA-3'
Protein context (NP_001254479.2, residues 21845-21865): PSEPSDPVTI[Leu21855=]AENVPPRIDL